The following is an entry in ClinVar:

NM_003738.5(PTCH2):c.395T>C (p.Leu132Pro)

Gene: PTCH2 (patched 2; minus strand). Cytogenetic location: 1p34.1.
Variant type: single nucleotide variant.
Coding change: c.395T>C on transcript NM_003738.5 (MANE Select); coding-DNA position 395, T replaced by C.
Protein change: p.Leu132Pro; replaces leucine 132 with proline.
Molecular consequence: missense variant.
Genome position (GRCh38, 1-based): chr1:44,832,212, A>G on the plus strand (T>C on the coding strand, the complement: PTCH2 is on the minus strand). VCF-style: chr1-44832212-A-G. GRCh37 (hg19) VCF-style: chr1-45297884-A-G.
Other names: c.395T>C, p.Leu132Pro (NM_001166292.2); short protein forms L132P.
Identifiers: ClinVar variation 2042829 (VCV002042829.4), dbSNP rs759797216, ClinGen allele CA823651.

ClinVar aggregate classification (germline): Uncertain significance (1 of 4 stars; one submission).

Conditions:
Gorlin syndrome. Also called: Basal cell nevus syndrome; Nevoid Basal Cell Carcinoma Syndrome. Identifiers: Orphanet 377, MedGen C0004779, MONDO:0007187.

Allele frequency attached by ClinVar (database versions not stated): TOPMed below 0.00001; gnomAD 0.00001; gnomAD exomes 0.00002; ExAC 0.00003.

Submission:

Labcorp Genetics (formerly Invitae), Labcorp
Classification: Uncertain significance for Gorlin syndrome. Last evaluated: 2022-09-09. Review status: criteria provided, single submitter. Criteria: Invitae Variant Classification Sherloc (09022015). Collection method: clinical testing. Allele origin: germline.
Comment: This sequence change replaces leucine, which is neutral and non-polar, with proline, which is neutral and non-polar, at codon 132 of the PTCH2 protein (p.Leu132Pro). This variant is present in population databases (rs759797216, gnomAD 0.01%). This variant has not been reported in the literature in individuals affected with PTCH2-related conditions. Advanced modeling of protein sequence and biophysical properties (such as structural, functional, and spatial information, amino acid conservation, physicochemical variation, residue mobility, and thermodynamic stability) performed at Invitae indicates that this missense variant is not expected to disrupt PTCH2 protein function. In summary, the available evidence is currently insufficient to determine the role of this variant in disease. Therefore, it has been classified as a Variant of Uncertain Significance.